The following is an entry in ClinVar:

NM_001232.4(CASQ2):c.421-20A>T

Gene: CASQ2 (calsequestrin 2; minus strand). Cytogenetic location: 1p13.1.
Variant type: single nucleotide variant.
Coding change: c.421-20A>T on transcript NM_001232.4 (MANE Select); 20 bases into the intron before coding-DNA position 421, A replaced by T.
Molecular consequence: intron variant.
Genome position (GRCh38, 1-based): chr1:115,738,355, T>A on the plus strand (A>T on the coding strand, the complement: CASQ2 is on the minus strand). VCF-style: chr1-115738355-T-A. GRCh37 (hg19) VCF-style: chr1-116280976-T-A.
Identifiers: ClinVar variation 670157 (VCV000670157.10), dbSNP rs201559752, ClinGen allele CA1023911.

ClinVar aggregate classification (germline): Benign/Likely benign. Review status: criteria provided, multiple submitters, no conflicts (2 of 4 stars). 3 submissions from 3 submitters: Benign (2); Likely benign (1). Last evaluated 2026-01-28.

Conditions:
Catecholaminergic polymorphic ventricular tachycardia 1. Also called: VENTRICULAR TACHYCARDIA, CATECHOLAMINERGIC POLYMORPHIC, 1, WITH OR WITHOUT ATRIAL DYSFUNCTION AND/OR DILATED CARDIOMYOPATHY; RYR2-Related Catecholaminergic Polymorphic Ventricular Tachycardia; VENTRICULAR TACHYCARDIA, STRESS-INDUCED POLYMORPHIC 1. Identifiers: Orphanet 3286, MedGen C1631597, MONDO:0011484, OMIM 604772.
Catecholaminergic polymorphic ventricular tachycardia 2. Also called: CASQ2-Related Catecholaminergic Polymorphic Ventricular Tachycardia; VENTRICULAR TACHYCARDIA, STRESS-INDUCED POLYMORPHIC 2. Identifiers: Orphanet 3286, MedGen C2677794, MONDO:0012762, OMIM 611938.

Allele frequency attached by ClinVar (database versions not stated): gnomAD exomes 0.00006 and 0.00033; gnomAD 0.00011; 1000 Genomes Project 30x 0.00016; TOPMed 0.00017; 1000 Genomes Project 0.00020; ExAC 0.00036.
gnomAD v4.1: 95 of 1,376,638 alleles (0.0069%); highest among the groups gnomAD compares: East Asian, 0.21%; 1 homozygote.

Submissions (3):

Labcorp Genetics (formerly Invitae), Labcorp
Classification: Benign for Catecholaminergic polymorphic ventricular tachycardia 1. Last evaluated: 2026-01-28. Review status: criteria provided, single submitter. Criteria: Invitae Variant Classification Sherloc (09022015). Collection method: clinical testing. Allele origin: germline.

Genome-Nilou Lab
Classification: Benign for Catecholaminergic polymorphic ventricular tachycardia 2. Last evaluated: 2023-04-11. Review status: criteria provided, single submitter. Criteria: ACMG Guidelines, 2015. Collection method: clinical testing. Allele origin: germline. Affected: no.

GeneDx
Classification: Likely benign. Last evaluated: 2018-05-30. Review status: criteria provided, single submitter. Criteria: GeneDx Variant Classification (06012015). Collection method: clinical testing. Allele origin: germline. Affected: yes.
Comment: This variant is considered likely benign or benign based on one or more of the following criteria: it is a conservative change, it occurs at a poorly conserved position in the protein, it is predicted to be benign by multiple in silico algorithms, and/or has population frequency not consistent with disease.